The following is an entry in ClinVar:

NM_002230.4(JUP):c.995G>A (p.Ser332Asn)

Gene: JUP (junction plakoglobin; minus strand). Cytogenetic location: 17q21.2.
Variant type: single nucleotide variant.
Coding change: c.995G>A on transcript NM_002230.4 (MANE Select); coding-DNA position 995, G replaced by A.
Protein change: p.Ser332Asn; replaces serine 332 with asparagine.
Molecular consequence: missense variant.
Genome position (GRCh38, 1-based): chr17:41,764,982, C>T on the plus strand (G>A on the coding strand, the complement: JUP is on the minus strand). VCF-style: chr17-41764982-C-T. GRCh37 (hg19) VCF-style: chr17-39921234-C-T.
Other names: c.995G>A, p.Ser332Asn (NM_001352773.2, NM_001352774.2, NM_001352775.2 and 3 more transcripts); short protein forms S332N.
Identifiers: ClinVar variation 935076 (VCV000935076.9), dbSNP rs1915476254, ClinGen allele CA399499432.
Genomic context (GRCh38, chr17:41,764,982, plus strand): 5'-CCAGCCTCCACAATGGCAGGCTTATTGCTGGGACACACGGATAGCACCTTGAGCACACGA[C>T]TGGTGGTCCAGAGCAGCTTTTCATAACTGTAGTTACGCATGATCTGCACGAGGGCCTGGG-3'
Protein context (NP_002221.1, residues 322-342): YSYEKLLWTT[Ser332Asn]RVLKVLSVCP

ClinVar aggregate classification (germline): Uncertain significance (1 of 4 stars; one submission).

Conditions:
Arrhythmogenic right ventricular dysplasia 12. Also called: ARRHYTHMOGENIC RIGHT VENTRICULAR DYSPLASIA, FAMILIAL, 12. Identifiers: MedGen C1969081, MONDO:0012684, OMIM 611528.
Naxos disease (NXD). Also called: PALMOPLANTAR KERATODERMA WITH ARRHYTHMOGENIC RIGHT VENTRICULAR CARDIOMYOPATHY AND WOOLLY HAIR; WOOLLY HAIR, PALMOPLANTAR KERATODERMA, AND CARDIAC ABNORMALITIES; KERATOSIS PALMOPLANTARIS WITH ARRHYTHMOGENIC CARDIOMYOPATHY; MAL DE NAXOS; CARDIOMYOPATHY, ARRHYTHMOGENIC RIGHT VENTRICULAR, WITH SKIN, HAIR, AND NAIL ABNORMALITIES. Identifiers: Orphanet 34217, MedGen C1832600, MONDO:0011017, OMIM 601214.

Submission:

Labcorp Genetics (formerly Invitae), Labcorp
Classification: Uncertain significance for Arrhythmogenic right ventricular dysplasia 12; Naxos disease. Last evaluated: 2020-01-23. Review status: criteria provided, single submitter. Criteria: Invitae Variant Classification Sherloc (09022015). Collection method: clinical testing. Allele origin: germline.
Comment: In summary, the available evidence is currently insufficient to determine the role of this variant in disease. Therefore, it has been classified as a Variant of Uncertain Significance. Algorithms developed to predict the effect of missense changes on protein structure and function are either unavailable or do not agree on the potential impact of this missense change (SIFT: "Tolerated"; PolyPhen-2: "Probably Damaging"; Align-GVGD: "Class C0"). This variant has not been reported in the literature in individuals with JUP-related conditions. This variant is not present in population databases (ExAC no frequency). This sequence change replaces serine with asparagine at codon 332 of the JUP protein (p.Ser332Asn). The serine residue is moderately conserved and there is a small physicochemical difference between serine and asparagine.